The following is an entry in ClinVar:

ClinVar aggregate classification (germline): Uncertain significance (1 of 4 stars; one submission).

gnomAD v4.1: 2 of 1,614,034 alleles (0.00012%); highest among the groups gnomAD compares: South Asian, 0.0011%; no homozygotes.

Submission:

Labcorp Genetics (formerly Invitae), Labcorp
Classification: Uncertain significance. Last evaluated: 2024-05-29. Review status: criteria provided, single submitter. Criteria: Invitae Variant Classification Sherloc (09022015). Collection method: clinical testing. Allele origin: germline.
Comment: This sequence change replaces alanine, which is neutral and non-polar, with valine, which is neutral and non-polar, at codon 396 of the RUNX2 protein (p.Ala396Val). This variant is present in population databases (no rsID available, gnomAD 0.003%). This variant has not been reported in the literature in individuals affected with RUNX2-related conditions. Advanced modeling of protein sequence and biophysical properties (such as structural, functional, and spatial information, amino acid conservation, physicochemical variation, residue mobility, and thermodynamic stability) performed at Invitae indicates that this missense variant is not expected to disrupt RUNX2 protein function with a negative predictive value of 80%. In summary, the available evidence is currently insufficient to determine the role of this variant in disease. Therefore, it has been classified as a Variant of Uncertain Significance.

NM_001024630.4(RUNX2):c.1187C>T (p.Ala396Val)

Gene: RUNX2 (RUNX family transcription factor 2; plus strand). Cytogenetic location: 6p21.1.
Variant type: single nucleotide variant.
Coding change: c.1187C>T on transcript NM_001024630.4 (MANE Select); coding-DNA position 1187, C replaced by T.
Protein change: p.Ala396Val; replaces alanine 396 with valine.
Molecular consequence: missense variant.
Genome position (GRCh38, 1-based): chr6:45,546,926, C>T. VCF-style: chr6-45546926-C-T. GRCh37 (hg19) VCF-style: chr6-45514663-C-T.
Other names: c.1121C>T, p.Ala374Val (NM_001015051.4); c.1079C>T, p.Ala360Val (NM_001278478.2); c.1145C>T, p.Ala382Val (NM_001369405.1, NM_004348.3); short protein forms A374V, A360V, A382V, A396V.
Identifiers: ClinVar variation 2962546 (VCV002962546.3), dbSNP rs1022790945, ClinGen allele CA138460447.